The following is an entry in ClinVar:

NM_004356.4(CD81):c.394C>A (p.Gln132Lys)

Gene: CD81 (CD81 molecule; plus strand). Cytogenetic location: 11p15.5.
Variant type: single nucleotide variant.
Coding change: c.394C>A on transcript NM_004356.4 (MANE Select); coding-DNA position 394, C replaced by A.
Protein change: p.Gln132Lys; replaces glutamine 132 with lysine.
Molecular consequence: missense variant.
Genome position (GRCh38, 1-based): chr11:2,395,455, C>A. VCF-style: chr11-2395455-C-A. GRCh37 (hg19) VCF-style: chr11-2416685-C-A.
Other names: c.181C>A, p.Gln61Lys (NM_001297649.2, NM_001425129.1, NM_001425130.1 and 4 more transcripts); c.517C>A, p.Gln173Lys (NM_001425135.1); c.394C>A, p.Gln132Lys (NM_001425137.1); short protein forms Q132K, Q173K, Q61K.
Identifiers: ClinVar variation 4760837 (VCV004760837.1).

ClinVar aggregate classification (germline): Uncertain significance (1 of 4 stars; one submission).

Submission:

Labcorp Genetics (formerly Invitae), Labcorp
Classification: Uncertain significance. Last evaluated: 2025-09-07. Review status: criteria provided, single submitter. Criteria: Invitae Variant Classification Sherloc (09022015). Collection method: clinical testing. Allele origin: germline.
Comment: This sequence change replaces glutamine, which is neutral and polar, with lysine, which is basic and polar, at codon 132 of the CD81 protein (p.Gln132Lys). This variant is not present in population databases (gnomAD no frequency). This variant has not been reported in the literature in individuals affected with CD81-related conditions. An algorithm developed to predict the effect of missense changes on protein structure and function (PolyPhen-2) suggests that this variant is likely to be tolerated. In summary, the available evidence is currently insufficient to determine the role of this variant in disease. Therefore, it has been classified as a Variant of Uncertain Significance.